The following is an entry in ClinVar:

ClinVar aggregate classification (germline): Uncertain significance (1 of 4 stars; one submission).

Allele frequency attached by ClinVar (database versions not stated): gnomAD exomes below 0.00001; TOPMed below 0.00001; gnomAD 0.00001.
gnomAD v4.1: 3 of 1,613,946 alleles (0.00019%); highest among the groups gnomAD compares: Non-Finnish European, 0.00025%; no homozygotes.

Submission:

GeneDx
Classification: Uncertain significance. Last evaluated: 2022-02-03. Review status: criteria provided, single submitter. Criteria: GeneDx Variant Classification Process June 2021. Collection method: clinical testing. Allele origin: germline. Affected: yes.
Comment: Not observed at significant frequency in large population cohorts (gnomAD); In silico analysis supports that this missense variant does not alter protein structure/function; Has not been previously published as pathogenic or benign to our knowledge

NM_024757.5(EHMT1):c.3108C>G (p.Ser1036Arg)

Gene: EHMT1 (euchromatic histone lysine methyltransferase 1; plus strand). Cytogenetic location: 9q34.3.
Variant type: single nucleotide variant.
Coding change: c.3108C>G on transcript NM_024757.5 (MANE Select); coding-DNA position 3108, C replaced by G.
Protein change: p.Ser1036Arg; replaces serine 1036 with arginine.
Molecular consequence: missense variant.
Genome position (GRCh38, 1-based): chr9:137,813,458, C>G. VCF-style: chr9-137813458-C-G. GRCh37 (hg19) VCF-style: chr9-140707910-C-G.
Other names: c.3087C>G, p.Ser1029Arg (NM_001354263.2); short protein forms S1029R, S1036R.
Identifiers: ClinVar variation 1700546 (VCV001700546.2), dbSNP rs1954659022, ClinGen allele CA375794157.